The following is an entry in ClinVar:

ClinVar aggregate classification (germline): Uncertain significance. Review status: criteria provided, multiple submitters, no conflicts (2 of 4 stars). 2 submissions from 2 submitters: Uncertain significance (2). Last evaluated 2022-06-04.

Conditions:
Hereditary cancer-predisposing syndrome. Also called: Neoplastic Syndromes, Hereditary; Tumor predisposition; Hereditary Cancer Syndrome; Hereditary neoplastic syndrome. Identifiers: Orphanet 140162, MedGen C0027672, MeSH D009386, MONDO:0015356.
BAP1-related tumor predisposition syndrome (TPDS1). Also called: Tumor susceptibility linked to germline BAP1 mutations; BAP1 tumor predisposition syndrome; COMMON Syndrome; TUMOR PREDISPOSITION SYNDROME 1. Identifiers: Orphanet 289539, MedGen C3280492, MONDO:0013692, OMIM 614327.

Submissions (2):

Ambry Genetics
Classification: Uncertain significance for Hereditary cancer-predisposing syndrome. Last evaluated: 2022-06-04. Review status: criteria provided, single submitter. Criteria: Ambry Variant Classification Scheme 2023. Collection method: clinical testing. Allele origin: germline.
Comment: The p.V654I variant (also known as c.1960G>A), located in coding exon 15 of the BAP1 gene, results from a G to A substitution at nucleotide position 1960. The valine at codon 654 is replaced by isoleucine, an amino acid with highly similar properties. This amino acid position is conserved. In addition, this alteration is predicted to be tolerated by in silico analysis. Since supporting evidence is limited at this time, the clinical significance of this alteration remains unclear.

Labcorp Genetics (formerly Invitae), Labcorp
Classification: Uncertain significance for BAP1-related tumor predisposition syndrome. Last evaluated: 2022-05-04. Review status: criteria provided, single submitter. Criteria: Invitae Variant Classification Sherloc (09022015). Collection method: clinical testing. Allele origin: germline.
Comment: In summary, the available evidence is currently insufficient to determine the role of this variant in disease. Therefore, it has been classified as a Variant of Uncertain Significance. Algorithms developed to predict the effect of missense changes on protein structure and function are either unavailable or do not agree on the potential impact of this missense change (SIFT: "Tolerated"; PolyPhen-2: "Possibly Damaging"; Align-GVGD: "Class C0"). This variant has not been reported in the literature in individuals affected with BAP1-related conditions. This variant is not present in population databases (gnomAD no frequency). This sequence change replaces valine, which is neutral and non-polar, with isoleucine, which is neutral and non-polar, at codon 654 of the BAP1 protein (p.Val654Ile).

NM_004656.4(BAP1):c.1960G>A (p.Val654Ile)

Gene: BAP1 (BRCA1 associated deubiquitinase 1; minus strand). Cytogenetic location: 3p21.1.
Variant type: single nucleotide variant.
Coding change: c.1960G>A on transcript NM_004656.4 (MANE Select); coding-DNA position 1960, G replaced by A.
Protein change: p.Val654Ile; replaces valine 654 with isoleucine.
Molecular consequence: missense variant.
Genome position (GRCh38, 1-based): chr3:52,402,802, C>T on the plus strand (G>A on the coding strand, the complement: BAP1 is on the minus strand). VCF-style: chr3-52402802-C-T. GRCh37 (hg19) VCF-style: chr3-52436818-C-T.
Other names: c.1906G>A, p.Val636Ile (NM_001410772.1); short protein forms V636I, V654I.
Identifiers: ClinVar variation 1783428 (VCV001783428.7), dbSNP rs1217693445, ClinGen allele CA353096565.